The following is an entry in ClinVar:

NM_001367624.2(ZNF469):c.5462G>T (p.Trp1821Leu)

Gene: ZNF469 (zinc finger protein 469; plus strand). Cytogenetic location: 16q24.2.
Variant type: single nucleotide variant.
Coding change: c.5462G>T on transcript NM_001367624.2 (MANE Select); coding-DNA position 5462, G replaced by T.
Protein change: p.Trp1821Leu; replaces tryptophan 1821 with leucine.
Molecular consequence: missense variant.
Genome position (GRCh38, 1-based): chr16:88,432,932, G>T. VCF-style: chr16-88432932-G-T. GRCh37 (hg19) VCF-style: chr16-88499340-G-T.
Other names: short protein forms W1821L.
Identifiers: ClinVar variation 1364115 (VCV001364115.8), dbSNP rs2142307923, ClinGen allele CA397100626.

ClinVar aggregate classification (germline): Uncertain significance (1 of 4 stars; one submission).

Submission:

Labcorp Genetics (formerly Invitae), Labcorp
Classification: Uncertain significance. Last evaluated: 2021-01-11. Review status: criteria provided, single submitter. Criteria: Invitae Variant Classification Sherloc (09022015). Collection method: clinical testing. Allele origin: germline.
Comment: This variant has not been reported in the literature in individuals with ZNF469-related conditions. This sequence change replaces tryptophan with leucine at codon 1793 of the ZNF469 protein (p.Trp1793Leu). The tryptophan residue is weakly conserved and there is a small physicochemical difference between tryptophan and leucine. This variant is not present in population databases (ExAC no frequency). Algorithms developed to predict the effect of missense changes on protein structure and function (SIFT, PolyPhen-2, Align-GVGD) all suggest that this variant is likely to be tolerated, but these predictions have not been confirmed by published functional studies and their clinical significance is uncertain. In summary, the available evidence is currently insufficient to determine the role of this variant in disease. Therefore, it has been classified as a Variant of Uncertain Significance.